The following is an entry in ClinVar:

ClinVar aggregate classification (germline): Uncertain significance (1 of 4 stars; one submission).

Conditions:
Neuropathy, hereditary sensory and autonomic, type 2A (HSAN2A). Also called: ACROOSTEOLYSIS, GIACCAI TYPE; ACROOSTEOLYSIS, NEUROGENIC; MORVAN DISEASE; NEUROPATHY, CONGENITAL SENSORY; NEUROPATHY, HEREDITARY SENSORY RADICULAR, AUTOSOMAL RECESSIVE; NEUROPATHY, HEREDITARY SENSORY, TYPE IIA. Identifiers: Orphanet 970, MedGen C2752089, MONDO:0024309, OMIM 201300.
Generalized epilepsy with febrile seizures plus, type 7 (GEFSP7). Also called: GEFS+, TYPE 7. Identifiers: Orphanet 36387, MedGen C2751778, MONDO:0013470, OMIM 613863.

Allele frequency attached by ClinVar (database versions not stated): gnomAD exomes 0.00002.
gnomAD v4.1: 10 of 1,614,084 alleles (0.00062%); highest among the groups gnomAD compares: East Asian, 0.0089%; no homozygotes.

Submission:

Labcorp Genetics (formerly Invitae), Labcorp
Classification: Uncertain significance for Neuropathy, hereditary sensory and autonomic, type 2A; Generalized epilepsy with febrile seizures plus, type 7. Last evaluated: 2024-11-27. Review status: criteria provided, single submitter. Criteria: Invitae Variant Classification Sherloc (09022015). Collection method: clinical testing. Allele origin: germline.
Comment: This sequence change replaces asparagine, which is neutral and polar, with serine, which is neutral and polar, at codon 889 of the SCN9A protein (p.Asn889Ser). This variant is present in population databases (no rsID available, gnomAD 0.02%). This variant has not been reported in the literature in individuals affected with SCN9A-related conditions. ClinVar contains an entry for this variant (Variation ID: 1416543). Invitae Evidence Modeling of protein sequence and biophysical properties (such as structural, functional, and spatial information, amino acid conservation, physicochemical variation, residue mobility, and thermodynamic stability) indicates that this missense variant is not expected to disrupt SCN9A protein function with a negative predictive value of 95%. In summary, the available evidence is currently insufficient to determine the role of this variant in disease. Therefore, it has been classified as a Variant of Uncertain Significance.

NM_001365536.1(SCN9A):c.2699A>G (p.Asn900Ser)

Genes: SCN9A (sodium voltage-gated channel alpha subunit 9; minus strand), SCN1A-AS1 (SCN1A and SCN9A antisense RNA 1; plus strand). Cytogenetic location: 2q24.3.
Variant type: single nucleotide variant.
Coding change: c.2699A>G on transcript NM_001365536.1 (MANE Select); coding-DNA position 2699, A replaced by G.
Protein change: p.Asn900Ser; replaces asparagine 900 with serine.
Molecular consequence: missense variant. On other transcripts: non-coding transcript variant (1).
Genome position (GRCh38, 1-based): chr2:166,277,158, T>C on the plus strand (A>G on the coding strand, the complement: SCN9A is on the minus strand). VCF-style: chr2-166277158-T-C. GRCh37 (hg19) VCF-style: chr2-167133668-T-C.
Other names: c.2666A>G, p.Asn889Ser (NM_002977.4); short protein forms N889S, N900S.
Identifiers: ClinVar variation 1416543 (VCV001416543.8), dbSNP rs1352541815, ClinGen allele CA349077768.